The following is an entry in ClinVar:

ClinVar aggregate classification (germline): Benign/Likely benign (0 of 4 stars; one submission).

Submission:

ISCA Site 6
Classification: Benign/Likely benign. Review status: no assertion criteria provided. Collection method: clinical testing. Allele origin: unknown. Affected: yes. Observed: 2 variant alleles.
Comment: Likely benign (1), Benign (1)

Copy number variation identified through the course of routine clinical cytogenomic testing in postnatal populations, with clinical assertions as classified by the original submitter. For data from the original published study, Kaminsky, et al. 2011 (PubMed 21844811), please see nstd101.

GRCh37/hg19 7q34(chr7:142829167-142881336)x1

Genes: PIP (prolactin induced protein; plus strand), TAS2R39 (taste 2 receptor member 39; plus strand). Cytogenetic location: 7q34.
Variant type: copy number loss.
Change: copy number 1 (one copy instead of two) of chr7:142,829,167-142,881,336 (52.2 kb, GRCh37 coordinates, 1-based), cytogenetic band 7q34.
Identifiers: ClinVar variation 393721 (VCV000393721.3).